The following is an entry in ClinVar:

NM_001103.4(ACTN2):c.1840-3C>A

Gene: ACTN2 (actinin alpha 2; plus strand). Cytogenetic location: 1q43.
Variant type: single nucleotide variant.
Coding change: c.1840-3C>A on transcript NM_001103.4 (MANE Select); 3 bases into the intron before coding-DNA position 1840, C replaced by A.
Molecular consequence: intron variant.
Genome position (GRCh38, 1-based): chr1:236,753,944, C>A. VCF-style: chr1-236753944-C-A. GRCh37 (hg19) VCF-style: chr1-236917244-C-A.
Other names: c.1840-3C>A (NM_001278343.2).
Identifiers: ClinVar variation 4783195 (VCV004783195.1).

ClinVar aggregate classification (germline): Uncertain significance (1 of 4 stars; one submission).

Conditions:
Primary familial hypertrophic cardiomyopathy (HCM). Identifiers: Orphanet 99739, MedGen C0949658, MeSH D024741, MONDO:0024573. Inheritance: Various modes of inheritance.
Dilated cardiomyopathy 1AA (CMD1AA). Also called: CARDIOMYOPATHY, DILATED, 1AA, WITH OR WITHOUT LEFT VENTRICULAR NONCOMPACTION; CARDIOMYOPATHY, FAMILIAL HYPERTROPHIC, 23, WITH OR WITHOUT LEFT VENTRICULAR NONCOMPACTION; Cardiomyopathy, dilated, 1AA, with or without LVNC. Identifiers: Orphanet 154, MedGen C2677338, MONDO:0012808, OMIM 612158.

gnomAD v4.1: 1 of 1,601,858 alleles (0.000062%); highest among the groups gnomAD compares: Non-Finnish European, 0.000085%; no homozygotes.

Submission:

Labcorp Genetics (formerly Invitae), Labcorp
Classification: Uncertain significance for Primary familial hypertrophic cardiomyopathy; Dilated cardiomyopathy 1AA. Last evaluated: 2025-04-02. Review status: criteria provided, single submitter. Criteria: Invitae Variant Classification Sherloc (09022015). Collection method: clinical testing. Allele origin: germline.
Comment: This sequence change falls in intron 15 of the ACTN2 gene. It does not directly change the encoded amino acid sequence of the ACTN2 protein. It affects a nucleotide within the consensus splice site. This variant is not present in population databases (gnomAD no frequency). This variant has not been reported in the literature in individuals affected with ACTN2-related conditions. Variants that disrupt the consensus splice site are a relatively common cause of aberrant splicing (PMID: 17576681, 9536098). Algorithms developed to predict the effect of sequence changes on RNA splicing suggest that this variant may create or strengthen a splice site. In summary, the available evidence is currently insufficient to determine the role of this variant in disease. Therefore, it has been classified as a Variant of Uncertain Significance.

Literature cited by the submitters: PubMed 17576681; PubMed 9536098.